The following is an entry in ClinVar:

ClinVar aggregate classification (germline): Benign. Review status: criteria provided, multiple submitters, no conflicts (2 of 4 stars). 2 submissions from 2 submitters: Benign (2). Last evaluated 2018-06-14.

Allele frequency attached by ClinVar (database versions not stated): 1000 Genomes Project 30x 0.40943; TOPMed 0.50004; 1000 Genomes Project 0.40974.
gnomAD v4.1: 898,558 of 1,496,014 alleles (60%); highest among the groups gnomAD compares: Non-Finnish European, 65%; 279,718 homozygotes.

Submissions (2):

GeneDx
Classification: Benign. Last evaluated: 2018-06-14. Review status: criteria provided, single submitter. Criteria: GeneDx Variant Classification (06012015). Collection method: clinical testing. Allele origin: germline. Affected: yes.
Comment: This variant is considered likely benign or benign based on one or more of the following criteria: it is a conservative change, it occurs at a poorly conserved position in the protein, it is predicted to be benign by multiple in silico algorithms, and/or has population frequency not consistent with disease.

Breakthrough Genomics
Classification: Benign. Review status: criteria provided, single submitter. Criteria: ACMG Guidelines, 2015. Collection method: not provided. Allele origin: germline. Inheritance: Autosomal recessive inheritance. Affected: yes.

NM_030962.4(SBF2):c.5451+102T>G

Genes: SBF2 (SET binding factor 2; minus strand), SBF2-AS1 (SBF2 antisense RNA 1; plus strand), LOC105369149 (uncharacterized LOC105369149; plus strand). Cytogenetic location: 11p15.4.
Variant type: single nucleotide variant.
Coding change: c.5451+102T>G on transcript NM_030962.4 (MANE Select); 102 bases into the intron after coding-DNA position 5451, T replaced by G.
Molecular consequence: intron variant.
Genome position (GRCh38, 1-based): chr11:9,781,405, A>C on the plus strand (T>G on the coding strand, the complement: SBF2 is on the minus strand). VCF-style: chr11-9781405-A-C. GRCh37 (hg19) VCF-style: chr11-9802952-A-C.
Other names: c.5322+102T>G (NM_001386342.1); c.5547+102T>G (NM_001386339.1).
Identifiers: ClinVar variation 669271 (VCV000669271.2), dbSNP rs3763862, ClinGen allele CA15710603.
Genomic context (GRCh38, chr11:9,781,405, plus strand): 5'-GTCAATAATGCTGAGTTCAAGCTCTGGAACAATTCCCATAGCCAAGGGGGTCTGTCATCC[A>C]TCTGTAGTCACCACCAATTACTCTGAGGGCTCCATCATTCTTGGAGACAGACAGAATGAT-3'